The following is an entry in ClinVar:

NM_004667.6(HERC2):c.13750A>C (p.Met4584Leu)

Gene: HERC2 (HECT and RLD domain containing E3 ubiquitin protein ligase 2; minus strand). Cytogenetic location: 15q13.1.
Variant type: single nucleotide variant.
Coding change: c.13750A>C on transcript NM_004667.6 (MANE Select); coding-DNA position 13750, A replaced by C.
Protein change: p.Met4584Leu; replaces methionine 4584 with leucine.
Molecular consequence: missense variant.
Genome position (GRCh38, 1-based): chr15:28,114,775, T>G on the plus strand (A>C on the coding strand, the complement: HERC2 is on the minus strand). VCF-style: chr15-28114775-T-G. GRCh37 (hg19) VCF-style: chr15-28359921-T-G.
Other names: c.13750A>C (NM_004667.4); short protein forms M4584L.
Identifiers: ClinVar variation 1700403 (VCV001700403.4), dbSNP rs138341710, ClinGen allele CA7439842.

ClinVar aggregate classification (germline): Uncertain significance. Review status: criteria provided, multiple submitters, no conflicts (2 of 4 stars). 2 submissions from 2 submitters: Uncertain significance (2). Last evaluated 2025-08-26.

Conditions:
Inborn genetic diseases. Identifiers: MedGen C0950123, MeSH D030342.

Allele frequency attached by ClinVar (database versions not stated): 1000 Genomes Project 30x 0.00031; ExAC 0.00003; gnomAD exomes 0.00004; TOPMed 0.00014; ESP Exome Variant Server 0.00015; gnomAD 0.00017; 1000 Genomes Project 0.00020.
gnomAD v4.1: 44 of 1,614,042 alleles (0.0027%); highest among the groups gnomAD compares: African/African-American, 0.056%; no homozygotes.

Submissions (2):

GeneDx
Classification: Uncertain significance. Last evaluated: 2025-08-26. Review status: criteria provided, single submitter. Criteria: GeneDx Variant Classification Process June 2021. Collection method: clinical testing. Allele origin: germline. Affected: yes.
Comment: In silico analysis suggests that this missense variant does not alter protein structure/function; Has not been previously published as pathogenic or benign to our knowledge

Ambry Genetics
Classification: Uncertain significance for Inborn genetic diseases. Last evaluated: 2024-03-12. Review status: criteria provided, single submitter. Criteria: Ambry Variant Classification Scheme 2023. Collection method: clinical testing. Allele origin: germline.